The following is an entry in ClinVar:

ClinVar aggregate classification (germline): Conflicting classifications of pathogenicity. Review status: criteria provided, conflicting classifications (1 of 4 stars). 2 submissions from 2 submitters: Uncertain significance (1); Likely benign (1). Last evaluated 2025-08-18.

Conditions:
Cardiovascular phenotype. Identifiers: MedGen CN230736.

Allele frequency attached by ClinVar (database versions not stated): gnomAD 0.00004; gnomAD exomes 0.00004; TOPMed 0.00006; ExAC 0.00007; ESP Exome Variant Server 0.00008; 1000 Genomes Project 30x 0.00031; 1000 Genomes Project 0.00040.

Submissions (2):

Labcorp Genetics (formerly Invitae), Labcorp
Classification: Likely benign. Last evaluated: 2025-08-18. Review status: criteria provided, single submitter. Criteria: Invitae Variant Classification Sherloc (09022015). Collection method: clinical testing. Allele origin: germline.

Ambry Genetics
Classification: Uncertain significance for Cardiovascular phenotype. Last evaluated: 2025-08-13. Review status: criteria provided, single submitter. Criteria: Ambry Variant Classification Scheme 2023. Collection method: clinical testing. Allele origin: germline.
Comment: The c.1233-6C>T intronic alteration consists of a C to T substitution 6 nucleotides before exon 9 of the LMF1 gene. Based on insufficient or conflicting evidence, the clinical significance of this alteration remains unclear.

NM_022773.4(LMF1):c.1233-6C>T

Gene: LMF1 (lipase maturation factor 1; minus strand). Cytogenetic location: 16p13.3.
Variant type: single nucleotide variant.
Coding change: c.1233-6C>T on transcript NM_022773.4 (MANE Select); 6 bases into the intron before coding-DNA position 1233, C replaced by T.
Molecular consequence: intron variant.
Genome position (GRCh38, 1-based): chr16:870,072, G>A on the plus strand (C>T on the coding strand, the complement: LMF1 is on the minus strand). VCF-style: chr16-870072-G-A. GRCh37 (hg19) VCF-style: chr16-920072-G-A.
Other names: c.906-6C>T (NM_001352019.2); c.582-6C>T (NM_001352017.2, NM_001352021.2); c.834-6C>T (NM_001352018.2); c.1233-6C>T (NM_001352020.1).
Identifiers: ClinVar variation 799499 (VCV000799499.9), dbSNP rs370582733, ClinGen allele CA7797096.